The following is an entry in ClinVar:

ClinVar aggregate classification (germline): Uncertain significance (1 of 4 stars; one submission).

Conditions:
Dyskeratosis congenita. Identifiers: Orphanet 1775, MedGen C0265965, MONDO:0015780.

Submission:

Labcorp Genetics (formerly Invitae), Labcorp
Classification: Uncertain significance for Dyskeratosis congenita. Last evaluated: 2024-02-14. Review status: criteria provided, single submitter. Criteria: Invitae Variant Classification Sherloc (09022015). Collection method: clinical testing. Allele origin: germline.
Comment: This sequence change replaces leucine, which is neutral and non-polar, with isoleucine, which is neutral and non-polar, at codon 194 of the DKC1 protein (p.Leu194Ile). This variant is not present in population databases (gnomAD no frequency). This variant has not been reported in the literature in individuals affected with DKC1-related conditions. Advanced modeling of protein sequence and biophysical properties (such as structural, functional, and spatial information, amino acid conservation, physicochemical variation, residue mobility, and thermodynamic stability) performed at Invitae indicates that this missense variant is expected to disrupt DKC1 protein function with a positive predictive value of 80%. In summary, the available evidence is currently insufficient to determine the role of this variant in disease. Therefore, it has been classified as a Variant of Uncertain Significance.

NM_001363.5(DKC1):c.580C>A (p.Leu194Ile)

Gene: DKC1 (dyskerin pseudouridine synthase 1; plus strand). Cytogenetic location: Xq28.
Variant type: single nucleotide variant.
Coding change: c.580C>A on transcript NM_001363.5 (MANE Select); coding-DNA position 580, C replaced by A.
Protein change: p.Leu194Ile; replaces leucine 194 with isoleucine.
Molecular consequence: missense variant. On other transcripts: non-coding transcript variant (3).
Genome position (GRCh38, 1-based): chrX:154,767,322, C>A. VCF-style: chrX-154767322-C-A. GRCh37 (hg19) VCF-style: chrX-153995597-C-A.
Other names: c.580C>A, p.Leu194Ile (NM_001142463.3, NM_001288747.2); short protein forms L194I.
Identifiers: ClinVar variation 3640949 (VCV003640949.2).